The following is an entry in ClinVar:

ClinVar aggregate classification (germline): Uncertain significance (1 of 4 stars; one submission).

Conditions:
Neuropathy, hereditary sensory, type 1F. Also called: Hereditary sensory neuropathy type IF; HSN IF. Identifiers: Orphanet 36386, MedGen C3810194, MONDO:0014286, OMIM 615632.

gnomAD v4.1: 1 of 1,609,030 alleles (0.000062%); highest among the groups gnomAD compares: Non-Finnish European, 0.000085%; no homozygotes.

Submission:

Labcorp Genetics (formerly Invitae), Labcorp
Classification: Uncertain significance for Neuropathy, hereditary sensory, type 1F. Last evaluated: 2025-11-26. Review status: criteria provided, single submitter. Criteria: Invitae Variant Classification Sherloc (09022015). Collection method: clinical testing. Allele origin: germline.
Comment: This sequence change replaces alanine, which is neutral and non-polar, with serine, which is neutral and polar, at codon 161 of the ATL3 protein (p.Ala161Ser). This variant is not present in population databases (gnomAD no frequency). This variant has not been reported in the literature in individuals affected with ATL3-related conditions. Invitae Evidence Modeling of protein sequence and biophysical properties (such as structural, functional, and spatial information, amino acid conservation, physicochemical variation, residue mobility, and thermodynamic stability) indicates that this missense variant is not expected to disrupt ATL3 protein function with a negative predictive value of 80%. In summary, the available evidence is currently insufficient to determine the role of this variant in disease. Therefore, it has been classified as a Variant of Uncertain Significance.

NM_015459.5(ATL3):c.481G>T (p.Ala161Ser)

Genes: ATL3 (atlastin GTPase 3; minus strand), LNCROPM (lncRNA regulator of PLAAT3 mediated phospholipid metabolism; plus strand). Cytogenetic location: 11q13.1.
Variant type: single nucleotide variant.
Coding change: c.481G>T on transcript NM_015459.5 (MANE Select); coding-DNA position 481, G replaced by T.
Protein change: p.Ala161Ser; replaces alanine 161 with serine.
Molecular consequence: missense variant. On other transcripts: intron variant (3).
Genome position (GRCh38, 1-based): chr11:63,652,500, C>A on the plus strand (G>T on the coding strand, the complement: ATL3 is on the minus strand). VCF-style: chr11-63652500-C-A. GRCh37 (hg19) VCF-style: chr11-63419972-C-A.
Other names: c.427G>T, p.Ala143Ser (NM_001290048.2, NM_001440720.1); c.481G>T, p.Ala161Ser (NM_001440716.1, NM_001440717.1, NM_001440718.1); c.405+6261G>T (NM_001440722.1); c.406-5937G>T (NM_001440721.1); c.406-514G>T (NM_001440719.1); short protein forms A143S, A161S.
Identifiers: ClinVar variation 4745012 (VCV004745012.1).